The following is an entry in ClinVar:

NM_001371904.1(APOA5):c.545_584del (p.His182fs)

Gene: APOA5 (apolipoprotein A5; minus strand). Cytogenetic location: 11q23.3.
Variant type: Deletion.
Coding change: c.545_584del on transcript NM_001371904.1 (MANE Select); coding-DNA positions 545 to 584, 40 bases deleted.
Protein change: p.His182fs; shifts the reading frame from histidine 182.
Molecular consequence: frameshift variant.
Genome position (GRCh38, 1-based): chr11:116,790,645-116,790,684, 40 bases deleted; deleting any 40 consecutive bases within chr11:116,790,645-116,790,686 gives the same sequence; the c. name uses the placement nearest the transcript's 3' end. GRCh37 (hg19): chr11:116,661,363-116,661,402.
Other names: c.545_584del, p.His182fs (NM_001166598.2, NM_052968.5); c.545_584del40 (NM_052968.4); short protein forms H182fs.
Identifiers: ClinVar variation 3709498 (VCV003709498.4).
Genomic context (GRCh38, chr11:116,790,644, plus strand): 5'-CGGAGCCACACTGCGGTGCAGCTCCTGCACGTGGCGCCCGATGCCGCTCACCAGGCTCTC[GGCGTATGGGTGGAAGAGCTCTTTGAAGCGGCCGGTGTGGT>G]GCACCACGCGGCTCTGCAGTCCCTGCAGCAAAGCCCAAGCCTCGTCCACGCCCCCCAGCA-3'

ClinVar aggregate classification (germline): Conflicting classifications of pathogenicity. Review status: criteria provided, conflicting classifications (1 of 4 stars). 3 submissions from 3 submitters: Pathogenic (1); Likely pathogenic (1); Uncertain significance (1). Last evaluated 2025-12-23.

Conditions:
APOA5-related disorder. Also called: APOA5-related condition.
Cardiovascular phenotype. Identifiers: MedGen CN230736.

Submissions (3):

PreventionGenetics, part of Exact Sciences
Classification: Likely pathogenic for APOA5-related condition. Last evaluated: 2025-12-23. Review status: criteria provided, single submitter. Criteria: ACMG Guidelines, 2015. Collection method: clinical testing. Allele origin: germline.
Comment: The APOA5 c.545_584del40 variant is predicted to result in a frameshift and premature protein termination (p.His182Profs*5). To our knowledge, this variant has not been reported in the literature. This variant is reported in 0.0032% of alleles in individuals of European (Non-Finnish) descent in gnomAD. Frameshift variants in APOA5 are expected to be pathogenic. This variant is interpreted as likely pathogenic.

Ambry Genetics
Classification: Pathogenic for Cardiovascular phenotype. Last evaluated: 2025-07-03. Review status: criteria provided, single submitter. Criteria: Ambry Variant Classification Scheme 2023. Collection method: clinical testing. Allele origin: germline.
Comment: The c.545_584del40 pathogenic mutation, located in coding exon 3 of the APOA5 gene, results from a deletion of 40 nucleotides at nucleotide positions 545 to 584, causing a translational frameshift with a predicted alternate stop codon (p.H182Pfs*5). This variant is considered to be rare based on population cohorts in the Genome Aggregation Database (gnomAD). This alteration is expected to result in loss of function by premature protein truncation or nonsense-mediated mRNA decay. As such, this alteration is interpreted as a disease-causing mutation.

Labcorp Genetics (formerly Invitae), Labcorp
Classification: Uncertain significance. Last evaluated: 2024-05-13. Review status: criteria provided, single submitter. Criteria: Invitae Variant Classification Sherloc (09022015). Collection method: clinical testing. Allele origin: germline.
Comment: This sequence change creates a premature translational stop signal (p.His182Profs*5) in the APOA5 gene. While this is not anticipated to result in nonsense mediated decay, it is expected to disrupt the last 185 amino acid(s) of the APOA5 protein. This variant is present in population databases (rs760869393, gnomAD 0.003%). This variant has not been reported in the literature in individuals affected with APOA5-related conditions. Experimental studies and prediction algorithms are not available or were not evaluated, and the functional significance of this variant is currently unknown. In summary, the available evidence is currently insufficient to determine the role of this variant in disease. Therefore, it has been classified as a Variant of Uncertain Significance.